The following is an entry in ClinVar:

ClinVar aggregate classification (germline): Pathogenic (1 of 4 stars; one submission).

Conditions:
Tuberous sclerosis 2 (TSC2). Identifiers: Orphanet 805, MedGen C1860707, MONDO:0013199, OMIM 613254.

Submission:

Labcorp Genetics (formerly Invitae), Labcorp
Classification: Pathogenic for Tuberous sclerosis 2. Last evaluated: 2022-07-09. Review status: criteria provided, single submitter. Criteria: Invitae Variant Classification Sherloc (09022015). Collection method: clinical testing. Allele origin: germline.
Comment: This sequence change creates a premature translational stop signal (p.Asp8Ilefs*4) in the TSC2 gene. It is expected to result in an absent or disrupted protein product. Loss-of-function variants in TSC2 are known to be pathogenic (PMID: 10205261, 17304050). This variant is not present in population databases (gnomAD no frequency). This variant has not been reported in the literature in individuals affected with TSC2-related conditions. ClinVar contains an entry for this variant (Variation ID: 1458427). For these reasons, this variant has been classified as Pathogenic.

Literature cited by the submitters: PubMed 10205261; PubMed 17304050.

NM_000548.5(TSC2):c.22del (p.Asp8fs)

Gene: TSC2 (TSC complex subunit 2; plus strand). Cytogenetic location: 16p13.3.
Variant type: Deletion.
Coding change: c.22del on transcript NM_000548.5 (MANE Select); coding-DNA position 22, one base deleted (G; older notation c.22delG).
Protein change: p.Asp8fs; shifts the reading frame from aspartic acid 8.
Molecular consequence: frameshift variant. On other transcripts: 5 prime UTR variant (1), intron variant (1).
Genome position (GRCh38, 1-based): chr16:2,048,637, G deleted. VCF-style (leftmost placement, unchanged base first): chr16-2048636-AG-A. GRCh37 (hg19) VCF-style: chr16-2098637-AG-A.
Other names: c.22del, p.Asp8fs (NM_001077183.3, NM_001114382.3, NM_001318827.2 and 4 more transcripts); c.-205del (NM_001318831.2); c.55del, p.Asp19fs (NM_001318832.2); c.-10+572del (NM_001318829.2); short protein forms D8fs, D19fs.
Identifiers: ClinVar variation 1458427 (VCV001458427.6), dbSNP rs2150970257, ClinGen allele CA2573151835.